The following is an entry in ClinVar:

NM_001113378.2(FANCI):c.3186+3A>G

Gene: FANCI (FA complementation group I; plus strand). Cytogenetic location: 15q26.1.
Variant type: single nucleotide variant.
Coding change: c.3186+3A>G on transcript NM_001113378.2 (MANE Select); 3 bases into the intron after coding-DNA position 3186, A replaced by G.
Molecular consequence: intron variant.
Genome position (GRCh38, 1-based): chr15:89,305,245, A>G. VCF-style: chr15-89305245-A-G. GRCh37 (hg19) VCF-style: chr15-89848476-A-G.
Other names: c.3006+3A>G (NM_018193.3); c.3186+3A>G (NM_001376911.1); c.2907+3A>G (NM_001376910.1).
Identifiers: ClinVar variation 576478 (VCV000576478.7), dbSNP rs371788349, ClinGen allele CA7723611.

ClinVar aggregate classification (germline): Uncertain significance. Review status: criteria provided, multiple submitters, no conflicts (2 of 4 stars). 2 submissions from 2 submitters: Uncertain significance (2). Last evaluated 2024-01-31.

Conditions:
Fanconi anemia (FA). Also called: Fanconi's anemia. Identifiers: Orphanet 84, MedGen C0015625, MeSH D005199, MONDO:0019391.
Fanconi anemia complementation group I (FANCI). Also called: FANCI-Related Fanconi Anemia. Identifiers: Orphanet 84, MedGen C1836861, MONDO:0012186, OMIM 609053.

Allele frequency attached by ClinVar (database versions not stated): gnomAD 0.00001 and 0.00002; ExAC 0.00002; TOPMed 0.00002; gnomAD exomes 0.00004 and 0.00007; ESP Exome Variant Server 0.00015.
gnomAD v4.1: 100 of 1,614,118 alleles (0.0062%); highest among the groups gnomAD compares: Non-Finnish European, 0.0078%; no homozygotes.

Submissions (2):

Fulgent Genetics
Classification: Uncertain significance for Fanconi anemia complementation group I. Last evaluated: 2024-01-31. Review status: criteria provided, single submitter. Criteria: ACMG Guidelines, 2015. Collection method: clinical testing. Allele origin: germline.

Labcorp Genetics (formerly Invitae), Labcorp
Classification: Uncertain significance for Fanconi anemia. Last evaluated: 2022-08-16. Review status: criteria provided, single submitter. Criteria: Invitae Variant Classification Sherloc (09022015). Collection method: clinical testing. Allele origin: germline.
Comment: This sequence change falls in intron 29 of the FANCI gene. It does not directly change the encoded amino acid sequence of the FANCI protein. It affects a nucleotide within the consensus splice site. This variant is present in population databases (rs371788349, gnomAD 0.008%). This variant has not been reported in the literature in individuals affected with FANCI-related conditions. ClinVar contains an entry for this variant (Variation ID: 576478). Variants that disrupt the consensus splice site are a relatively common cause of aberrant splicing (PMID: 17576681, 9536098). Algorithms developed to predict the effect of sequence changes on RNA splicing suggest that this variant may disrupt the consensus splice site. In summary, the available evidence is currently insufficient to determine the role of this variant in disease. Therefore, it has been classified as a Variant of Uncertain Significance.

Literature cited by the submitters: PubMed 17576681 (cited by Labcorp Genetics (formerly Invitae), Labcorp); PubMed 9536098 (cited by Labcorp Genetics (formerly Invitae), Labcorp).